The following is an entry in ClinVar:

ClinVar aggregate classification (germline): Likely benign. Review status: criteria provided, multiple submitters, no conflicts (2 of 4 stars). 2 submissions from 2 submitters: Likely benign (2). Last evaluated 2025-07-21.

Conditions:
Developmental and epileptic encephalopathy, 8 (DEE8). Also called: HYPEREKPLEXIA AND EPILEPSY. Identifiers: Orphanet 163985, Orphanet 2076, MedGen C1845102, MONDO:0010375, OMIM 300607.

Allele frequency attached by ClinVar (database versions not stated): gnomAD exomes below 0.00001.
gnomAD v4.1: 1 of 1,206,556 alleles (0.000083%); highest among the groups gnomAD compares: Non-Finnish European, 0.00011%; no homozygotes.

Submissions (2):

Labcorp Genetics (formerly Invitae), Labcorp
Classification: Likely benign for Developmental and epileptic encephalopathy, 8. Last evaluated: 2025-07-21. Review status: criteria provided, single submitter. Criteria: Invitae Variant Classification Sherloc (09022015). Collection method: clinical testing. Allele origin: germline.

CeGaT Center for Human Genetics Tuebingen
Classification: Likely benign. Last evaluated: 2023-12-01. Review status: criteria provided, single submitter. Criteria: CeGaT Center For Human Genetics Tuebingen Variant Classification Criteria Version 2. Collection method: clinical testing. Allele origin: germline. Affected: yes. Observed: 1 variant allele.
Comment: ARHGEF9: PM2:Supporting, BP4, BP7

NM_001353921.2(ARHGEF9):c.291C>T (p.Cys97=)

Gene: ARHGEF9 (Cdc42 guanine nucleotide exchange factor 9; minus strand). Cytogenetic location: Xq11.1.
Variant type: single nucleotide variant.
Coding change: c.291C>T on transcript NM_001353921.2 (MANE Select); coding-DNA position 291, C replaced by T.
Protein change: p.Cys97=; no amino-acid change (cysteine 97 retained).
Molecular consequence: synonymous variant. On other transcripts: 5 prime UTR variant (3).
Genome position (GRCh38, 1-based): chrX:63,706,369, G>A on the plus strand (C>T on the coding strand, the complement: ARHGEF9 is on the minus strand). VCF-style: chrX-63706369-G-A. GRCh37 (hg19) VCF-style: chrX-62926249-G-A.
Other names: c.111C>T, p.Cys37= (NM_001173479.2); c.-37C>T (NM_001173480.2, NM_001369042.1); c.207C>T, p.Cys69= (NM_001330495.2, NM_001353927.2, NM_001369033.1 and 8 more transcripts); c.291C>T, p.Cys97= (NM_001353922.2); c.309C>T, p.Cys103= (NM_001353923.1); c.90C>T, p.Cys30= (NM_001353924.2, NM_001353926.2, NM_001369039.1 and 1 more transcripts); c.270C>T, p.Cys90= (NM_001353928.2, NM_001369030.1, NM_001369031.1 and 2 more transcripts); c.-413C>T (NM_001369045.1).
Identifiers: ClinVar variation 3026422 (VCV003026422.23), dbSNP rs2519904017, ClinGen allele CA516872104.